The following is an entry in ClinVar:

NM_012309.5(SHANK2):c.5548T>C (p.Ter1850Gln)

Gene: SHANK2 (SH3 and multiple ankyrin repeat domains 2; minus strand). Cytogenetic location: 11q13.3.
Variant type: single nucleotide variant.
Coding change: c.5548T>C on transcript NM_012309.5 (MANE Select); coding-DNA position 5548, T replaced by C.
Protein change: p.Ter1850Gln.
Molecular consequence: stop lost. On other transcripts: non-coding transcript variant (1).
Genome position (GRCh38, 1-based): chr11:70,472,871, A>G on the plus strand (T>C on the coding strand, the complement: SHANK2 is on the minus strand). VCF-style: chr11-70472871-A-G. GRCh37 (hg19) VCF-style: chr11-70318976-A-G.
Other names: c.4411T>C, p.Ter1471Gln (NM_001379226.1); c.3784T>C, p.Ter1262Gln (NM_133266.5).
Identifiers: ClinVar variation 3770081 (VCV003770081.2).

ClinVar aggregate classification (germline): Uncertain significance (1 of 4 stars; one submission).

Submission:

GeneDx
Classification: Uncertain significance. Last evaluated: 2026-09-11. Review status: criteria provided, single submitter. Criteria: GeneDx Variant Classification Process June 2021. Collection method: clinical testing. Allele origin: germline.
Comment: Stop codon loss and change to a Glutamine codon, leading to protein extension and the addition of 30 amino acid(s) at the C-terminus; Not observed at significant frequency in large population cohorts (gnomAD); Has not been previously published as pathogenic or benign to our knowledge